The following is an entry in ClinVar:

NM_000052.7(ATP7A):c.1760C>T (p.Thr587Ile)

Gene: ATP7A (ATPase copper transporting alpha; plus strand). Cytogenetic location: Xq21.1.
Variant type: single nucleotide variant.
Coding change: c.1760C>T on transcript NM_000052.7 (MANE Select); coding-DNA position 1760, C replaced by T.
Protein change: p.Thr587Ile; replaces threonine 587 with isoleucine.
Molecular consequence: missense variant.
Genome position (GRCh38, 1-based): chrX:78,009,154, C>T. VCF-style: chrX-78009154-C-T. GRCh37 (hg19) VCF-style: chrX-77264651-C-T.
Other names: c.1760C>T, p.Thr587Ile (NM_001282224.2); short protein forms T587I.
Identifiers: ClinVar variation 2937979 (VCV002937979.3), dbSNP rs2522341172, ClinGen allele CA413597022.
Genomic context (GRCh38, chrX:78,009,154, plus strand): 5'-TTTAACAGGTGAGGGGAATGACGTGTGCCTCCTGCGTACATAAAATAGAGTCTAGTCTCA[C>T]AAAACACAGAGGGATCCTATACTGCTCCGTGGCCCTGGCAACCAACAAAGCACATATTAA-3'
Protein context (NP_000043.4, residues 577-597): SCVHKIESSL[Thr587Ile]KHRGILYCSV

ClinVar aggregate classification (germline): Uncertain significance (1 of 4 stars; one submission).

Conditions:
Menkes kinky-hair syndrome (MNK). Also called: Copper transport disease; Menkes Disease; Classic Menkes Disease. Identifiers: Orphanet 565, MedGen C0022716, MONDO:0010651, OMIM 309400.
Cutis laxa, X-linked (OHS). Also called: EDS IX; Occipital horn syndrome. Identifiers: Orphanet 198, MedGen C0268353, MONDO:0010572, OMIM 304150.
X-linked distal spinal muscular atrophy type 3. Also called: ATP7A-Related Distal Motor Neuropathy; SPINAL MUSCULAR ATROPHY, DISTAL, X-LINKED RECESSIVE; NEURONOPATHY, DISTAL HEREDITARY MOTOR, X-LINKED; NEUROPATHY, DISTAL HEREDITARY MOTOR, X-LINKED. Identifiers: Orphanet 139557, MedGen C1845359, MONDO:0010338, OMIM 300489.

gnomAD v4.1: 5 of 1,210,059 alleles (0.00041%); highest among the groups gnomAD compares: Non-Finnish European, 0.00056%; no homozygotes.

Submission:

Labcorp Genetics (formerly Invitae), Labcorp
Classification: Uncertain significance for X-linked distal spinal muscular atrophy type 3; Cutis laxa, X-linked; Menkes kinky-hair syndrome. Last evaluated: 2025-02-25. Review status: criteria provided, single submitter. Criteria: Invitae Variant Classification Sherloc (09022015). Collection method: clinical testing. Allele origin: germline.
Comment: This sequence change replaces threonine, which is neutral and polar, with isoleucine, which is neutral and non-polar, at codon 587 of the ATP7A protein (p.Thr587Ile). This variant is not present in population databases (gnomAD no frequency). This variant has not been reported in the literature in individuals affected with ATP7A-related conditions. ClinVar contains an entry for this variant (Variation ID: 2937979). Invitae Evidence Modeling of protein sequence and biophysical properties (such as structural, functional, and spatial information, amino acid conservation, physicochemical variation, residue mobility, and thermodynamic stability) indicates that this missense variant is not expected to disrupt ATP7A protein function with a negative predictive value of 95%. In summary, the available evidence is currently insufficient to determine the role of this variant in disease. Therefore, it has been classified as a Variant of Uncertain Significance.